The following is an entry in ClinVar:

NM_005527.4(HSPA1L):c.1436C>T (p.Thr479Met)

Gene: HSPA1L (heat shock protein family A (Hsp70) member 1 like; minus strand). Cytogenetic location: 6p21.33.
Variant type: single nucleotide variant.
Coding change: c.1436C>T on transcript NM_005527.4 (MANE Select); coding-DNA position 1436, C replaced by T.
Protein change: p.Thr479Met; replaces threonine 479 with methionine.
Molecular consequence: missense variant.
Genome position (GRCh38, 1-based): chr6:31,810,537, G>A on the plus strand (C>T on the coding strand, the complement: HSPA1L is on the minus strand). VCF-style: chr6-31810537-G-A. GRCh37 (hg19) VCF-style: chr6-31778314-G-A.
Other names: short protein forms T479M.
Identifiers: ClinVar variation 784068 (VCV000784068.30), dbSNP rs482145, ClinGen allele CA3723909.

ClinVar aggregate classification (germline): Benign. Review status: criteria provided, multiple submitters, no conflicts (2 of 4 stars). 3 submissions from 3 submitters: Benign (2). 1 of the submissions does not count toward it. Last evaluated 2023-09-01.

Conditions:
HSPA1L-related disorder. Also called: HSPA1L-related condition.

Allele frequency attached by ClinVar (database versions not stated): gnomAD exomes 0.00043 and 0.00103; ExAC 0.00127; gnomAD 0.00416 and 0.00438; ESP Exome Variant Server 0.00454; TOPMed 0.00479; 1000 Genomes Project 0.00519; 1000 Genomes Project 30x 0.00578.

Submissions (3):

CeGaT Center for Human Genetics Tuebingen
Classification: Benign. Last evaluated: 2023-09-01. Review status: criteria provided, single submitter. Criteria: CeGaT Center For Human Genetics Tuebingen Variant Classification Criteria Version 2. Collection method: clinical testing. Allele origin: germline. Affected: yes. Observed: 1 variant allele.
Comment: HSPA1L: BS1, BS2

Labcorp Genetics (formerly Invitae), Labcorp
Classification: Benign. Last evaluated: 2019-12-31. Review status: criteria provided, single submitter. Criteria: Invitae Variant Classification Sherloc (09022015). Collection method: clinical testing. Allele origin: germline.

PreventionGenetics, part of Exact Sciences
Classification: Benign for HSPA1L-related condition. Last evaluated: 2020-02-14. Review status: no assertion criteria provided. Collection method: clinical testing. Allele origin: germline. Not counted in ClinVar's aggregate classification.
Comment: This variant is classified as benign based on ACMG/AMP sequence variant interpretation guidelines (Richards et al. 2015 PMID: 25741868, with internal and published modifications).